The following is an entry in ClinVar:

NM_017433.5(MYO3A):c.4618T>G (p.Tyr1540Asp)

Gene: MYO3A (myosin IIIA; plus strand). Cytogenetic location: 10p12.1.
Variant type: single nucleotide variant.
Coding change: c.4618T>G on transcript NM_017433.5 (MANE Select); coding-DNA position 4618, T replaced by G.
Protein change: p.Tyr1540Asp; replaces tyrosine 1540 with aspartic acid.
Molecular consequence: missense variant.
Genome position (GRCh38, 1-based): chr10:26,202,995, T>G. VCF-style: chr10-26202995-T-G. GRCh37 (hg19) VCF-style: chr10-26491924-T-G.
Other names: short protein forms Y1540D.
Identifiers: ClinVar variation 1305466 (VCV001305466.7), dbSNP rs567422421, ClinGen allele CA5445534.
Genomic context (GRCh38, chr10:26,202,995, plus strand): 5'-CAATGGTGTGTTTATGTGTTCATTTACAGTCAGGGAAAATTATTAGATTTGGAAGATTTC[T>G]ATTATAAGGAATTTTTGCCCAGTCGTTCTGGACCAAAGGAACATAGCCCTAGTTTAAGAG-3'
Protein context (NP_059129.3, residues 1530-1550): QGKLLDLEDF[Tyr1540Asp]YKEFLPSRSG

ClinVar aggregate classification (germline): Uncertain significance. Review status: criteria provided, multiple submitters, no conflicts (2 of 4 stars). 3 submissions from 3 submitters: Uncertain significance (3). Last evaluated 2025-09-10.

Conditions:
Inborn genetic diseases. Identifiers: MedGen C0950123, MeSH D030342.

Allele frequency attached by ClinVar (database versions not stated): gnomAD exomes below 0.00001 and 0.00002; ExAC 0.00002; gnomAD 0.00005 and 0.00006; TOPMed 0.00008; 1000 Genomes Project 30x 0.00016; 1000 Genomes Project 0.00020.
gnomAD v4.1: 12 of 1,613,818 alleles (0.00074%); highest among the groups gnomAD compares: African/African-American, 0.016%; no homozygotes.

Submissions (3):

Ambry Genetics
Classification: Uncertain significance for Inborn genetic diseases. Last evaluated: 2025-09-10. Review status: criteria provided, single submitter. Criteria: Ambry Variant Classification Scheme 2023. Collection method: clinical testing. Allele origin: germline.

GeneDx
Classification: Uncertain significance. Last evaluated: 2024-05-13. Review status: criteria provided, single submitter. Criteria: GeneDx Variant Classification Process June 2021. Collection method: clinical testing. Allele origin: germline. Affected: yes.
Comment: In silico analysis, which includes protein predictors and evolutionary conservation, supports a deleterious effect; Has not been previously published as pathogenic or benign to our knowledge

Labcorp Genetics (formerly Invitae), Labcorp
Classification: Uncertain significance. Last evaluated: 2023-02-16. Review status: criteria provided, single submitter. Criteria: Invitae Variant Classification Sherloc (09022015). Collection method: clinical testing. Allele origin: germline.
Comment: This sequence change replaces tyrosine, which is neutral and polar, with aspartic acid, which is acidic and polar, at codon 1540 of the MYO3A protein (p.Tyr1540Asp). This variant is present in population databases (rs567422421, gnomAD 0.02%). This variant has not been reported in the literature in individuals affected with MYO3A-related conditions. ClinVar contains an entry for this variant (Variation ID: 1305466). An algorithm developed to predict the effect of missense changes on protein structure and function (PolyPhen-2) suggests that this variant is likely to be disruptive. In summary, the available evidence is currently insufficient to determine the role of this variant in disease. Therefore, it has been classified as a Variant of Uncertain Significance.